The following is an entry in ClinVar:

ClinVar aggregate classification (germline): Likely benign. Review status: criteria provided, single submitter (1 of 4 stars). 2 submissions from 2 submitters: Likely benign (1). 1 of the submissions does not count toward it. Last evaluated 2025-05-05.

Conditions:
NUP62-related disorder. Also called: NUP62-related condition.

gnomAD v4.1: 150 of 1,613,026 alleles (0.0093%); highest among the groups gnomAD compares: Middle Eastern, 0.099%; 1 homozygote.

Submissions (2):

Labcorp Genetics (formerly Invitae), Labcorp
Classification: Likely benign. Last evaluated: 2025-05-05. Review status: criteria provided, single submitter. Criteria: Invitae Variant Classification Sherloc (09022015). Collection method: clinical testing. Allele origin: germline.

PreventionGenetics, part of Exact Sciences
Classification: Likely benign for NUP62-related condition. Last evaluated: 2019-02-26. Review status: no assertion criteria provided. Collection method: clinical testing. Allele origin: germline. Not counted in ClinVar's aggregate classification.
Comment: This variant is classified as likely benign based on ACMG/AMP sequence variant interpretation guidelines (Richards et al. 2015 PMID: 25741868, with internal and published modifications).

NM_016553.5(NUP62):c.663C>T (p.Leu221=)

Genes: IL4I1 (interleukin 4 induced 1; minus strand), NUP62 (nucleoporin 62; minus strand). Cytogenetic location: 19q13.33.
Variant type: single nucleotide variant.
Coding change: c.663C>T on transcript NM_016553.5 (MANE Select); coding-DNA position 663, C replaced by T.
Protein change: p.Leu221=; no amino-acid change (leucine 221 retained).
Molecular consequence: synonymous variant. On other transcripts: intron variant (3).
Genome position (GRCh38, 1-based): chr19:49,909,145, G>A on the plus strand (C>T on the coding strand, the complement: NUP62 is on the minus strand). VCF-style: chr19-49909145-G-A. GRCh37 (hg19) VCF-style: chr19-50412402-G-A.
Other names: c.663C>T, p.Leu221= (NM_001193357.2, NM_012346.5, NM_153718.4 and 1 more transcripts); c.-227-4824C>T (NM_001258017.2, NM_172374.3); c.-285-4824C>T (NM_001258018.2).
Identifiers: ClinVar variation 1593202 (VCV001593202.10), dbSNP rs150097126, ClinGen allele CA9589083.